The following is an entry in ClinVar:

ClinVar aggregate classification (germline): Uncertain significance. Review status: criteria provided, multiple submitters, no conflicts (2 of 4 stars). 2 submissions from 2 submitters: Uncertain significance (2). Last evaluated 2025-11-22.

Conditions:
Inborn genetic diseases. Identifiers: MedGen C0950123, MeSH D030342.
ALS2-related disorder. Also called: ALS2-related condition; ALS2-related disorders; ALS2-Related Spectrum Disorders. Identifiers: MedGen CN169291.

Allele frequency attached by ClinVar (database versions not stated): gnomAD exomes below 0.00001.
gnomAD v4.1: 6 of 1,614,144 alleles (0.00037%); highest among the groups gnomAD compares: Non-Finnish European, 0.00042%; no homozygotes.

Submissions (2):

PreventionGenetics, part of Exact Sciences
Classification: Uncertain significance for ALS2-related condition. Last evaluated: 2025-11-22. Review status: criteria provided, single submitter. Criteria: ACMG Guidelines, 2015. Collection method: clinical testing. Allele origin: germline.
Comment: The ALS2 c.1847C>T variant is predicted to result in the amino acid substitution p.Ala616Val. To our knowledge, this variant has not been reported in the literature or in a large population database (gnomAD), indicating this variant is rare. At this time, the clinical significance of this variant is uncertain due to the absence of conclusive functional and genetic evidence.

Ambry Genetics
Classification: Uncertain significance for Inborn genetic diseases. Last evaluated: 2023-09-21. Review status: criteria provided, single submitter. Criteria: Ambry Variant Classification Scheme 2023. Collection method: clinical testing. Allele origin: germline.

NM_020919.4(ALS2):c.1847C>T (p.Ala616Val)

Gene: ALS2 (alsin Rho guanine nucleotide exchange factor ALS2; minus strand). Cytogenetic location: 2q33.1.
Variant type: single nucleotide variant.
Coding change: c.1847C>T on transcript NM_020919.4 (MANE Select); coding-DNA position 1847, C replaced by T.
Protein change: p.Ala616Val; replaces alanine 616 with valine.
Molecular consequence: missense variant.
Genome position (GRCh38, 1-based): chr2:201,746,717, G>A on the plus strand (C>T on the coding strand, the complement: ALS2 is on the minus strand). VCF-style: chr2-201746717-G-A. GRCh37 (hg19) VCF-style: chr2-202611440-G-A.
Other names: c.1847C>T, p.Ala616Val (NM_001410975.1); short protein forms A616V.
Identifiers: ClinVar variation 3114106 (VCV003114106.2), dbSNP rs1294947352, ClinGen allele CA350325606.
Genomic context (GRCh38, chr2:201,746,717, plus strand): 5'-TATAACCCAGGCTGGAAGTCTTCTGTATCCACTAAAAACAGGGAATAATCCCTGCCTGCA[G>A]CTATGCTCCAGACTCCATTTTCACTGCTTATCTGCAACGACAGAAAGATAGTGTCTGTCC-3'
Protein context (NP_065970.2, residues 606-626): ISSENGVWSI[Ala616Val]AGRDYSLFLV